The following is an entry in ClinVar:

NM_000121.4(EPOR):c.1478_1479del (p.Leu493fs)

Gene: EPOR (erythropoietin receptor; minus strand). Cytogenetic location: 19p13.2.
Variant type: Deletion.
Coding change: c.1478_1479del on transcript NM_000121.4 (MANE Select); coding-DNA positions 1478 to 1479, 2 bases deleted (TT; older notation c.1478_1479delTT).
Protein change: p.Leu493fs; shifts the reading frame from leucine 493.
Molecular consequence: frameshift variant. On other transcripts: non-coding transcript variant (1).
Genome position (GRCh38, 1-based): chr19:11,378,032-11,378,033, AA deleted on the plus strand (TT on the coding strand, the reverse complement: EPOR is on the minus strand). VCF-style (leftmost placement, unchanged base first): chr19-11378031-TAA-T. GRCh37 (hg19) VCF-style: chr19-11488707-TAA-T.
Other names: c.1478_1479delTT (NM_000121.4); short protein forms L493fs.
Identifiers: ClinVar variation 4688989 (VCV004688989.2).

ClinVar aggregate classification (germline): Uncertain significance (1 of 4 stars; one submission).

Submission:

Women's Health and Genetics/Laboratory Corporation of America, LabCorp
Classification: Uncertain significance. Last evaluated: 2026-02-04. Review status: criteria provided, single submitter. Criteria: LabCorp Variant Classification Summary - May 2015. Collection method: clinical testing. Allele origin: germline.
Comment: Variant summary: EPOR c.1478_1479delTT (p.Leu493HisfsX5) results in a premature termination codon, predicted to cause a truncation of the encoded protein in the last exon, however nonsense mediated decay is not expected to occur. Additionally, current evidence is not sufficient to establish loss of function as a mechanism for disease. The variant was absent in 251234 control chromosomes. The available data on variant occurrences in the general population are insufficient to allow any conclusion about variant significance. To our knowledge, no occurrence of c.1478_1479delTT in individuals affected with EPOR-related conditions and no experimental evidence demonstrating its impact on protein function have been reported. No submitters have cited clinical-significance assessments for this variant to ClinVar. Based on the evidence outlined above, the variant was classified as uncertain significance.